The following is an entry in ClinVar:

NM_001711.6(BGN):c.208C>T (p.His70Tyr)

Gene: BGN (biglycan; plus strand). Cytogenetic location: Xq28.
Variant type: single nucleotide variant.
Coding change: c.208C>T on transcript NM_001711.6 (MANE Select); coding-DNA position 208, C replaced by T.
Protein change: p.His70Tyr; replaces histidine 70 with tyrosine.
Molecular consequence: missense variant.
Genome position (GRCh38, 1-based): chrX:153,504,839, C>T. VCF-style: chrX-153504839-C-T. GRCh37 (hg19) VCF-style: chrX-152770297-C-T.
Other names: short protein forms H70Y.
Identifiers: ClinVar variation 5032852 (VCV005032852.1).
Genomic context (GRCh38, chrX:153,504,839, plus strand): 5'-CTGGACCCGGACTCTGTCACACCCACCTACAGCGCCATGTGTCCTTTCGGCTGCCACTGC[C>T]ACCTGCGGGTGGTTCAGTGCTCCGACCTGGGTTTGTCCCTGAGTGATGGGGAGCGGGGCA-3'
Protein context (NP_001702.1, residues 60-80): SAMCPFGCHC[His70Tyr]LRVVQCSDLG

ClinVar aggregate classification (germline): Uncertain significance (1 of 4 stars; one submission).

Conditions:
Cardiovascular phenotype. Identifiers: MedGen CN230736.

Submission:

Ambry Genetics
Classification: Uncertain significance for Cardiovascular phenotype. Last evaluated: 2026-06-25. Review status: criteria provided, single submitter. Criteria: Ambry Variant Classification Scheme 2023. Collection method: clinical testing. Allele origin: germline.
Comment: The p.H70Y variant (also known as c.208C>T), located in coding exon 1 of the BGN gene, results from a C to T substitution at nucleotide position 208. The histidine at codon 70 is replaced by tyrosine, an amino acid with similar properties. This amino acid position is conserved. In addition, the in silico prediction for this alteration is inconclusive. Based on the available evidence, the clinical significance of this variant remains unclear.